The following is an entry in ClinVar:

NM_001349253.2(SCN11A):c.1745C>A (p.Ala582Asp)

Gene: SCN11A (sodium voltage-gated channel alpha subunit 11; minus strand). Cytogenetic location: 3p22.2.
Variant type: single nucleotide variant.
Coding change: c.1745C>A on transcript NM_001349253.2 (MANE Select); coding-DNA position 1745, C replaced by A.
Protein change: p.Ala582Asp; replaces alanine 582 with aspartic acid.
Molecular consequence: missense variant.
Genome position (GRCh38, 1-based): chr3:38,903,962, G>T on the plus strand (C>A on the coding strand, the complement: SCN11A is on the minus strand). VCF-style: chr3-38903962-G-T. GRCh37 (hg19) VCF-style: chr3-38945453-G-T.
Other names: c.1745C>A, p.Ala582Asp (NM_014139.3); short protein forms A582D.
Identifiers: ClinVar variation 2100753 (VCV002100753.4), dbSNP rs2470583508, ClinGen allele CA352164455.

ClinVar aggregate classification (germline): Uncertain significance (1 of 4 stars; one submission).

Conditions:
Hereditary sensory and autonomic neuropathy type 7. Also called: HSAN VII; Neuropathy, hereditary sensory and autonomic, type VII. Identifiers: Orphanet 391397, MedGen C3809882, MONDO:0014244, OMIM 615548.
Familial episodic pain syndrome with predominantly lower limb involvement. Also called: Episodic pain syndrome, familial, 3. Identifiers: Orphanet 391384, Orphanet 391392, MedGen C3809899, MONDO:0014247, OMIM 615552.

Submission:

Labcorp Genetics (formerly Invitae), Labcorp
Classification: Uncertain significance for Familial episodic pain syndrome with predominantly lower limb involvement; Hereditary sensory and autonomic neuropathy type 7. Last evaluated: 2022-02-20. Review status: criteria provided, single submitter. Criteria: Invitae Variant Classification Sherloc (09022015). Collection method: clinical testing. Allele origin: germline.
Comment: This sequence change replaces alanine, which is neutral and non-polar, with aspartic acid, which is acidic and polar, at codon 582 of the SCN11A protein (p.Ala582Asp). This variant is not present in population databases (gnomAD no frequency). This variant has not been reported in the literature in individuals affected with SCN11A-related conditions. Algorithms developed to predict the effect of missense changes on protein structure and function (SIFT, PolyPhen-2, Align-GVGD) all suggest that this variant is likely to be disruptive. In summary, the available evidence is currently insufficient to determine the role of this variant in disease. Therefore, it has been classified as a Variant of Uncertain Significance.